The following is an entry in ClinVar:

ClinVar aggregate classification (germline): Uncertain significance (1 of 4 stars; one submission).

Conditions:
Hereditary cancer-predisposing syndrome. Also called: Neoplastic Syndromes, Hereditary; Tumor predisposition; Hereditary neoplastic syndrome; Hereditary Cancer Syndrome. Identifiers: Orphanet 140162, MedGen C0027672, MeSH D009386, MONDO:0015356.

Submission:

Ambry Genetics
Classification: Uncertain significance for Hereditary cancer-predisposing syndrome. Last evaluated: 2025-07-28. Review status: criteria provided, single submitter. Criteria: Ambry Variant Classification Scheme 2023. Collection method: clinical testing. Allele origin: germline.
Comment: The p.S2306T variant (also known as c.6917G>C), located in coding exon 46 of the ATM gene, results from a G to C substitution at nucleotide position 6917. The serine at codon 2306 is replaced by threonine, an amino acid with similar properties. This amino acid position is conserved. In addition, the in silico prediction for this alteration is inconclusive. Based on the available evidence, the clinical significance of this variant remains unclear.

NM_000051.4(ATM):c.6917G>C (p.Ser2306Thr)

Genes: ATM (ATM serine/threonine kinase; plus strand), C11orf65 (chromosome 11 open reading frame 65; minus strand). Cytogenetic location: 11q22.3.
Variant type: single nucleotide variant.
Coding change: c.6917G>C on transcript NM_000051.4 (MANE Select); coding-DNA position 6917, G replaced by C.
Protein change: p.Ser2306Thr; replaces serine 2306 with threonine.
Molecular consequence: missense variant. On other transcripts: intron variant (2).
Genome position (GRCh38, 1-based): chr11:108,326,167, G>C. VCF-style: chr11-108326167-G-C. GRCh37 (hg19) VCF-style: chr11-108196894-G-C.
Other names: c.6917G>C, p.Ser2306Thr (NM_001351834.2); c.641-17096C>G (NM_001330368.2); c.*38+9053C>G (NM_001351110.2); short protein forms S2306T.
Identifiers: ClinVar variation 4169658 (VCV004169658.1).